The following is an entry in ClinVar:

ClinVar aggregate classification (germline): Conflicting classifications of pathogenicity. Review status: criteria provided, conflicting classifications (1 of 4 stars). 2 submissions from 2 submitters: Likely pathogenic (1); Uncertain significance (1). Last evaluated 2019-12-03.

Submissions (2):

Blueprint Genetics
Classification: Uncertain significance. Last evaluated: 2019-12-03. Review status: criteria provided, single submitter. Criteria: ACMG Guidelines, 2015. Collection method: clinical testing. Allele origin: germline.

GeneDx
Classification: Likely pathogenic. Last evaluated: 2014-02-04. Review status: criteria provided, single submitter. Criteria: GeneDx Variant Classification (06012015). Collection method: clinical testing. Allele origin: germline. Affected: yes.
Comment: p.Leu127Phe (CTC>TTC): c.379 C>T in exon 3 of the KCNH2 (HERG) gene (NM_000238.2). The L127F variant in the KCNH2 gene has not been reported as a disease-causing mutation or as a benign polymorphism to our knowledge. The L127F variant is a conservative amino acid substitution as these residues share similar properties, and are least likely to impact secondary structure. However, the L127 is conserved across species. In silico analysis predicts L127F is probably damaging to the protein structure/function. Mutations in nearby residues (M124R, M124T, F125C, F129I, E130K) have been reported in association with LQTS, further supporting the functional importance of this region of the protein. Furthermore, the L127F variant was not observed in approximately 6,500 individuals of European and African American ancestry in the NHLBI Exome Sequencing Project, indicating it is not a common benign variant in these populations. In summary, while L127F is a good candidate for a disease-causing mutation, with the clinical and molecular information available at this time we cannot unequivocally determine the clinical significance of this variant. The variant is found in LQT panel(s).

NM_000238.4(KCNH2):c.379C>T (p.Leu127Phe)

Gene: KCNH2 (potassium voltage-gated channel subfamily H member 2; minus strand). Cytogenetic location: 7q36.1.
Variant type: single nucleotide variant.
Coding change: c.379C>T on transcript NM_000238.4 (MANE Select); coding-DNA position 379, C replaced by T.
Protein change: p.Leu127Phe; replaces leucine 127 with phenylalanine.
Molecular consequence: missense variant.
Genome position (GRCh38, 1-based): chr7:150,959,665, G>A on the plus strand (C>T on the coding strand, the complement: KCNH2 is on the minus strand). VCF-style: chr7-150959665-G-A. GRCh37 (hg19) VCF-style: chr7-150656753-G-A.
Other names: p.L127F:CTC>TTC; c.91C>T, p.Leu31Phe (NM_001406753.1, NM_001406756.1); c.202C>T, p.Leu68Phe (NM_001406755.1); c.79C>T, p.Leu27Phe (NM_001406757.1); c.379C>T, p.Leu127Phe (NM_172056.3); short protein forms L127F, L27F, L31F, L68F.
Identifiers: ClinVar variation 200278 (VCV000200278.5), dbSNP rs794728352, ClinGen allele CA008393.